The following is an entry in ClinVar:

ClinVar aggregate classification (germline): Conflicting classifications of pathogenicity. Review status: criteria provided, conflicting classifications (1 of 4 stars). 9 submissions from 9 submitters: Uncertain significance (8); Likely benign (1). Last evaluated 2026-07-01.

Conditions:
Aortic aneurysm, familial thoracic 7 (AAT7). Also called: AORTIC DISSECTION, FAMILIAL, WITH OR WITHOUT AORTIC ANEURYSM. Identifiers: MedGen C3151077, MONDO:0013418, OMIM 613780.
Megacystis-microcolon-intestinal hypoperistalsis syndrome 1. Identifiers: MedGen C5542316, MONDO:0100354, OMIM 249210.
Familial thoracic aortic aneurysm and aortic dissection (TAAD). Also called: Thoracic aortic aneurysms and dissections. Identifiers: Orphanet 91387, MedGen C4707243, MONDO:0019625.

Allele frequency attached by ClinVar (database versions not stated): ExAC 0.00005; gnomAD exomes 0.00005 and 0.00032; gnomAD 0.00007 and 0.00008; ESP Exome Variant Server 0.00008; TOPMed 0.00009.
gnomAD v4.1: 467 of 1,613,866 alleles (0.029%); highest among the groups gnomAD compares: Non-Finnish European, 0.038%; no homozygotes.

Submissions (9):

CeGaT Center for Human Genetics Tuebingen
Classification: Uncertain significance. Last evaluated: 2026-07-01. Review status: criteria provided, single submitter. Criteria: CeGaT Center For Human Genetics Tuebingen Variant Classification Criteria Version 2. Collection method: clinical testing. Allele origin: germline. Affected: yes. Observed: 1 variant allele.
Comment: MYLK: PM2, BP4

Labcorp Genetics (formerly Invitae), Labcorp
Classification: Uncertain significance for Aortic aneurysm, familial thoracic 7. Last evaluated: 2026-01-26. Review status: criteria provided, single submitter. Criteria: Invitae Variant Classification Sherloc (09022015). Collection method: clinical testing. Allele origin: germline.
Comment: This sequence change falls in intron 17 of the MYLK gene. It does not directly change the encoded amino acid sequence of the MYLK protein. It affects a nucleotide within the consensus splice site. This variant is present in population databases (rs374003770, gnomAD 0.01%). This variant has not been reported in the literature in individuals affected with MYLK-related conditions. ClinVar contains an entry for this variant (Variation ID: 504425). Variants that disrupt the consensus splice site are a relatively common cause of aberrant splicing (PMID: 17576681, 9536098). Algorithms developed to predict the effect of sequence changes on RNA splicing suggest that this variant may disrupt the consensus splice site. In summary, the available evidence is currently insufficient to determine the role of this variant in disease. Therefore, it has been classified as a Variant of Uncertain Significance.

GeneDx
Classification: Uncertain significance. Last evaluated: 2025-09-11. Review status: criteria provided, single submitter. Criteria: GeneDx Variant Classification Process June 2021. Collection method: clinical testing. Allele origin: germline. Affected: yes.
Comment: Intronic +5 splice site variant in a gene for which loss of function is a known mechanism of disease, and both splice predictors and evolutionary conservation support a deleterious effect, although in the absence of functional evidence the actual effect of this sequence change is unknown.; Not located in the smooth muscle isoform, where the majority of loss-of-function variants associated with autosomal dominant TAAD and autosomal recessive MMIHS have been reported to date (PMIDs: 24077912, 21055718); Has not been previously published as pathogenic or benign to our knowledge

Mayo Clinic Laboratories, Mayo Clinic
Classification: Uncertain significance. Last evaluated: 2025-03-17. Review status: criteria provided, single submitter. Criteria: ACMG Guidelines, 2015. Collection method: clinical testing. Allele origin: germline. Observed: 2 variant alleles.

Ambry Genetics
Classification: Uncertain significance for Familial thoracic aortic aneurysm and aortic dissection. Last evaluated: 2025-01-05. Review status: criteria provided, single submitter. Criteria: Ambry Variant Classification Scheme 2023. Collection method: clinical testing. Allele origin: germline.
Comment: The c.2462+5G>A intronic variant results from a G to A substitution 5 nucleotides after coding exon 14 in the MYLK gene. This nucleotide position is highly conserved in available vertebrate species. In silico splice site analysis predicts that this alteration will weaken the native splice donor site. Since supporting evidence is limited at this time, the clinical significance of this alteration remains unclear.

Victorian Clinical Genetics Services, Murdoch Childrens Research Institute
Classification: Likely benign for Aortic aneurysm, familial thoracic 7. Last evaluated: 2024-10-11. Review status: criteria provided, single submitter. Criteria: ACMG Guidelines, 2015. Collection method: clinical testing. Allele origin: germline. Inheritance: Autosomal dominant inheritance.
Comment: Based on the classification scheme VCGS_Germline_v1.3.5, this variant is classified as Likely benign. Following criteria are met: 0102 - Loss of function is a known mechanism of disease in this gene and is associated with autosomal dominant familial thoracic aortic aneurysm 7 (MIM#613780). It has also been reported for autosomal recessive megacystis-microcolon-intestinal hypoperistalsis syndrome 1 (MIM#249210), however this gene-disease association has not been established conclusively (PanelApp Australia). (I) 0107 - This gene is associated with autosomal dominant familial thoracic aortic aneurysm 7 (MIM#613780) although homozygotes with more early-onset severe disease have also been reported (PMID: 29544503; OMIM). It has also been associated with autosomal recessive megacystis-microcolon-intestinal hypoperistalsis syndrome 1 (MIM#249210), however this gene-disease association has not been established conclusively (PanelApp Australia). (I) 0112 - The familial thoracic aortic aneurysm 7 associated with this gene has incomplete penetrance (PMIDs: 29544503, 21055718; OMIM). (I) 0115 - Variants associated with familial thoracic aortic aneurysm 7 in this gene are known to have variable expressivity (PMIDs: 29544503, 21055718). (I) 0212 - Non-canonical splice site variant without proven consequence on splicing (no functional evidence available). (SP) 0251 - This variant is heterozygous. (I) 0302 - Variant is present in gnomAD (v4) <0.001 for a dominant condition (467 heterozygotes, 0 homozygotes). (SP) 0505 - Abnormal splicing is predicted by in silico tools and affected nucleotide is highly conserved. (SP) 0705 - No comparable splice site variants have previous evidence for pathogenicity. (I) 0809 - Previous evidence of pathogenicity for this variant is inconclusive. This variant has been reported eight times as a variant of unknown significance (ClinVar, LOVD). (I) 0905 - No published segregation evidence has been identified for this variant. (I) 1007 - No published functional evidence has been identified for this variant. (I) 1208 - Inheritance information for this variant is not currently available in this individual. (I) Legend: (SP) - Supporting pathogenic, (I) - Information, (SB) - Supporting benign

Fulgent Genetics
Classification: Uncertain significance for Megacystis-microcolon-intestinal hypoperistalsis syndrome 1; Aortic aneurysm, familial thoracic 7. Last evaluated: 2022-05-17. Review status: criteria provided, single submitter. Criteria: ACMG Guidelines, 2015. Collection method: clinical testing. Allele origin: unknown.

CHEO Genetics Diagnostic Laboratory, Children's Hospital of Eastern Ontario
Classification: Uncertain significance for Familial thoracic aortic aneurysm and aortic dissection. Last evaluated: 2020-12-10. Review status: criteria provided, single submitter. Criteria: ACMG Guidelines, 2015. Collection method: clinical testing. Allele origin: germline.

Baylor Genetics
Classification: Uncertain significance for Aortic aneurysm, familial thoracic 7. Last evaluated: 2019-06-25. Review status: criteria provided, single submitter. Criteria: ACMG Guidelines, 2015. Collection method: clinical testing. Allele origin: unknown. Affected: yes.
Comment: This variant was determined to be of uncertain significance according to ACMG Guidelines, 2015 [PMID:25741868].

Literature cited by the submitters: PubMed 17576681 (cited by Labcorp Genetics (formerly Invitae), Labcorp); PubMed 9536098 (cited by Labcorp Genetics (formerly Invitae), Labcorp); PubMed 21055718 (cited by Victorian Clinical Genetics Services, Murdoch Childrens Research Institute); PubMed 29544503 (cited by Victorian Clinical Genetics Services, Murdoch Childrens Research Institute).

NM_053025.4(MYLK):c.2462+5G>A

Gene: MYLK (myosin light chain kinase; minus strand). Cytogenetic location: 3q21.1.
Variant type: single nucleotide variant.
Coding change: c.2462+5G>A on transcript NM_053025.4 (MANE Select); 5 bases into the intron after coding-DNA position 2462, G replaced by A.
Molecular consequence: intron variant.
Genome position (GRCh38, 1-based): chr3:123,701,433, C>T on the plus strand (G>A on the coding strand, the complement: MYLK is on the minus strand). VCF-style: chr3-123701433-C-T. GRCh37 (hg19) VCF-style: chr3-123420280-C-T.
Other names: c.1934+5G>A (NM_001321309.2); c.2255+5G>A (NM_053028.4, NM_053026.4); c.2462+5G>A (NM_053027.4).
Identifiers: ClinVar variation 504425 (VCV000504425.26), dbSNP rs374003770, ClinGen allele CA068614.
Genomic context (GRCh38, chr3:123,701,433, plus strand): 5'-CCGGGGCCAGGAGGAAGGTGGGGATGGGGGCATGGCCTGGAGGGGCAGCTCCTGGGGGCA[C>T]TCACCGTGGAAGGGCTCTGGCAGAGCTGTTCTGTAGCATCAGTGACACCTGGCAACTGCA-3'